The following is an entry in ClinVar:

NM_001379659.1(ZNF142):c.4059C>G (p.His1353Gln)

Gene: ZNF142 (zinc finger protein 142; minus strand). Cytogenetic location: 2q35.
Variant type: single nucleotide variant.
Coding change: c.4059C>G on transcript NM_001379659.1 (MANE Select); coding-DNA position 4059, C replaced by G.
Protein change: p.His1353Gln; replaces histidine 1353 with glutamine.
Molecular consequence: missense variant.
Genome position (GRCh38, 1-based): chr2:218,643,057, G>C on the plus strand (C>G on the coding strand, the complement: ZNF142 is on the minus strand). VCF-style: chr2-218643057-G-C. GRCh37 (hg19) VCF-style: chr2-219507780-G-C.
Other names: c.3459C>G, p.His1153Gln (NM_001105537.5, NM_001379662.1, NM_001366291.3); c.2970C>G, p.His990Gln (NM_001366287.3, NM_001366288.3, NM_001366289.3); c.4059C>G, p.His1353Gln (NM_001366290.3, NM_001379660.1, NM_001379661.1); short protein forms H1153Q, H1353Q, H990Q.
Identifiers: ClinVar variation 1030149 (VCV001030149.3), dbSNP rs768106776, ClinGen allele CA2108872.

ClinVar aggregate classification (germline): Uncertain significance. Review status: criteria provided, multiple submitters, no conflicts (2 of 4 stars). 3 submissions from 3 submitters: Uncertain significance (3). Last evaluated 2024-03-26.

Conditions:
Neurodevelopmental disorder with impaired speech and hyperkinetic movements. Identifiers: MedGen C5193088, MONDO:0032741, OMIM 618425.

Allele frequency attached by ClinVar (database versions not stated): ExAC 0.00012; gnomAD 0.00001; TOPMed 0.00003.
gnomAD v4.1: 102 of 1,600,596 alleles (0.0064%); highest among the groups gnomAD compares: Non-Finnish European, 0.0081%; no homozygotes.

Submissions (3):

Genomic Medicine Center of Excellence, King Faisal Specialist Hospital and Research Centre
Classification: Uncertain significance for Neurodevelopmental disorder with impaired speech and hyperkinetic movements. Last evaluated: 2024-03-26. Review status: criteria provided, single submitter. Criteria: ACMG Guidelines, 2015. Collection method: clinical testing. Allele origin: germline.

Department of Pathology and Laboratory Medicine, Sinai Health System
Classification: Uncertain significance for Neurodevelopmental disorder with impaired speech and hyperkinetic movements. Last evaluated: 2021-09-03. Review status: criteria provided, single submitter. Criteria: ACMG Guidelines, 2015. Collection method: research. Allele origin: germline.

Baylor Genetics
Classification: Uncertain significance for Neurodevelopmental disorder with impaired speech and hyperkinetic movements. Last evaluated: 2019-10-25. Review status: criteria provided, single submitter. Criteria: ACMG Guidelines, 2015. Collection method: clinical testing. Allele origin: unknown. Affected: yes.
Comment: This variant was determined to be of uncertain significance according to ACMG Guidelines, 2015 [PMID:25741868].